The following is an entry in ClinVar:

ClinVar aggregate classification (germline): Uncertain significance. Review status: criteria provided, multiple submitters, no conflicts (2 of 4 stars). 4 submissions from 4 submitters: Uncertain significance (4). Last evaluated 2026-08-26.

Conditions:
Hyperkalemic periodic paralysis. Also called: Gamstorp disease; Familial hyperkalemic periodic paralysis. Identifiers: Orphanet 682, MedGen C0238357, MONDO:0008224, OMIM 170500, HP:0007215.
Inborn genetic diseases. Identifiers: MedGen C0950123, MeSH D030342.

Submissions (4):

GeneDx
Classification: Uncertain significance. Last evaluated: 2026-08-26. Review status: criteria provided, single submitter. Criteria: GeneDx Variant Classification Process June 2021. Collection method: clinical testing. Allele origin: germline.
Comment: Not observed at significant frequency in large population cohorts (gnomAD); In silico analysis suggests that this missense variant does not alter protein structure/function; Has not been previously published as pathogenic or benign to our knowledge

Labcorp Genetics (formerly Invitae), Labcorp
Classification: Uncertain significance for Hyperkalemic periodic paralysis. Last evaluated: 2022-04-04. Review status: criteria provided, single submitter. Criteria: Invitae Variant Classification Sherloc (09022015). Collection method: clinical testing. Allele origin: germline.
Comment: This variant has not been reported in the literature in individuals affected with SCN4A-related conditions. This sequence change replaces valine, which is neutral and non-polar, with isoleucine, which is neutral and non-polar, at codon 787 of the SCN4A protein (p.Val787Ile). This variant is not present in population databases (gnomAD no frequency). Algorithms developed to predict the effect of missense changes on protein structure and function (SIFT, PolyPhen-2, Align-GVGD) all suggest that this variant is likely to be disruptive. In summary, the available evidence is currently insufficient to determine the role of this variant in disease. Therefore, it has been classified as a Variant of Uncertain Significance.

Ambry Genetics
Classification: Uncertain significance for Inborn genetic diseases. Last evaluated: 2021-09-16. Review status: criteria provided, single submitter. Criteria: Ambry Variant Classification Scheme 2023. Collection method: clinical testing. Allele origin: germline.

Blueprint Genetics
Classification: Uncertain significance. Last evaluated: 2021-04-07. Review status: criteria provided, single submitter. Criteria: ACMG Guidelines, 2015. Collection method: clinical testing. Allele origin: germline.

NM_000334.4(SCN4A):c.2359G>A (p.Val787Ile)

Genes: GH-LCR (growth hormone locus control region; plus strand), SCN4A (sodium voltage-gated channel alpha subunit 4; minus strand). Cytogenetic location: 17q23.3.
Variant type: single nucleotide variant.
Coding change: c.2359G>A on transcript NM_000334.4 (MANE Select); coding-DNA position 2359, G replaced by A.
Protein change: p.Val787Ile; replaces valine 787 with isoleucine.
Molecular consequence: missense variant.
Genome position (GRCh38, 1-based): chr17:63,957,179, C>T on the plus strand (G>A on the coding strand, the complement: SCN4A is on the minus strand). VCF-style: chr17-63957179-C-T. GRCh37 (hg19) VCF-style: chr17-62034539-C-T.
Other names: short protein forms V787I.
Identifiers: ClinVar variation 1442697 (VCV001442697.9), dbSNP rs532827016, ClinGen allele CA292966228.
Genomic context (GRCh38, chr17:63,957,179, plus strand): 5'-CTTCCCGGGTGAGGGCAGGGGCCACCCAGCCAGCCTCACTCACCACAAGATTGCCGATGA[C>T]CATGACCATGAGGAAGACGGTGAGGCACATGGCTTGGCCGGCCACCTCCATGCAGTCCCA-3'
Protein context (NP_000325.4, residues 777-797): MCLTVFLMVM[Val787Ile]IGNLVVLNLF